The following is an entry in ClinVar:

ClinVar aggregate classification (germline): Uncertain significance. Review status: criteria provided, multiple submitters, no conflicts (2 of 4 stars). 5 submissions from 5 submitters: Uncertain significance (5). Last evaluated 2025-10-06.

Conditions:
Hereditary cancer-predisposing syndrome. Also called: Hereditary neoplastic syndrome; Neoplastic Syndromes, Hereditary; Tumor predisposition; Hereditary Cancer Syndrome. Identifiers: Orphanet 140162, MedGen C0027672, MeSH D009386, MONDO:0015356.
Familial adenomatous polyposis 1 (FAP1). Also called: FAMILIAL ADENOMATOUS POLYPOSIS 1, ATTENUATED; POLYPOSIS, ADENOMATOUS INTESTINAL. Identifiers: MedGen C2713442, MONDO:0021056, OMIM 175100. Disease mechanism: loss of function.

Allele frequency attached by ClinVar (database versions not stated): TOPMed below 0.00001; ExAC 0.00001; gnomAD 0.00001; gnomAD exomes 0.00001.
gnomAD v4.1: 6 of 1,613,666 alleles (0.00037%); highest among the groups gnomAD compares: South Asian, 0.0022%; no homozygotes.

Submissions (5):

Labcorp Genetics (formerly Invitae), Labcorp
Classification: Uncertain significance for Familial adenomatous polyposis 1. Last evaluated: 2025-10-06. Review status: criteria provided, single submitter. Criteria: Invitae Variant Classification Sherloc (09022015). Collection method: clinical testing. Allele origin: germline.
Comment: This sequence change replaces arginine, which is basic and polar, with glutamine, which is neutral and polar, at codon 1920 of the APC protein (p.Arg1920Gln). This variant is present in population databases (rs587780599, gnomAD 0.003%). This variant has not been reported in the literature in individuals affected with APC-related conditions. ClinVar contains an entry for this variant (Variation ID: 185443). Invitae Evidence Modeling of protein sequence and biophysical properties (such as structural, functional, and spatial information, amino acid conservation, physicochemical variation, residue mobility, and thermodynamic stability) indicates that this missense variant is not expected to disrupt APC protein function with a negative predictive value of 95%. In summary, the available evidence is currently insufficient to determine the role of this variant in disease. Therefore, it has been classified as a Variant of Uncertain Significance.

Color Diagnostics, LLC DBA Color Health
Classification: Uncertain significance for Hereditary cancer-predisposing syndrome. Last evaluated: 2025-07-30. Review status: criteria provided, single submitter. Criteria: ACMG Guidelines, 2015. Collection method: clinical testing. Allele origin: germline.
Comment: This missense variant replaces arginine with glutamine at codon 1920 of the APC protein. Computational prediction suggests that this variant may not impact protein structure and function. To our knowledge, functional studies have not been reported for this variant. This variant has not been reported in individuals affected with APC-related disorders in the literature. This variant has been identified in 2/249934 chromosomes in the general population by the Genome Aggregation Database (gnomAD). The available evidence is insufficient to determine the role of this variant in disease conclusively. Therefore, this variant is classified as a Variant of Uncertain Significance.

Ambry Genetics
Classification: Uncertain significance for Hereditary cancer-predisposing syndrome. Last evaluated: 2025-01-14. Review status: criteria provided, single submitter. Criteria: Ambry Variant Classification Scheme 2023. Collection method: clinical testing. Allele origin: germline.
Comment: The p.R1920Q variant (also known as c.5759G>A), located in coding exon 15 of the APC gene, results from a G to A substitution at nucleotide position 5759. The arginine at codon 1920 is replaced by glutamine, an amino acid with highly similar properties. This amino acid position is highly conserved in available vertebrate species. In addition, in silico predictors for this gene do not accurately predict pathogenicity. Missense alterations in APC are not a common cause of disease (Spier I et al. Genet Med. 2024 Feb;26(2):100992). Based on the available evidence, the clinical significance of this variant remains unclear.

GeneDx
Classification: Uncertain significance. Last evaluated: 2023-10-24. Review status: criteria provided, single submitter. Criteria: GeneDx Variant Classification Process June 2021. Collection method: clinical testing. Allele origin: germline. Affected: yes.
Comment: Not observed at significant frequency in large population cohorts (gnomAD); In silico analysis supports that this missense variant does not alter protein structure/function; Has not been previously published as pathogenic or benign to our knowledge; This variant is associated with the following publications: (PMID: 18199528)

Women's Health and Genetics/Laboratory Corporation of America, LabCorp
Classification: Uncertain significance. Last evaluated: 2018-01-22. Review status: criteria provided, single submitter. Criteria: LabCorp Variant Classification Summary - May 2015. Collection method: clinical testing. Allele origin: germline.
Comment: Variant summary: The c.5759G>A (p.Arg1920Gln) in APC gene is a missense variant involves a mildly conserved nucleotide located within the APC_u15 - a short region of natively unstructured sequence lying between the fifth and sixth creatine-rich domains (NCBI conserved domain database). The 3/4 in silico tools used predict benign outcome for this variant, however no functional studies supporting these predictions were published at the time of evaluation. The c.5759G>A was identified in the control population dataset of gnomAD at a low frequency of 0.000004 (1/ 244648 chrs tested). The observed frequency does not exceed the maximum expected allele frequency for a pathogenic variant of 0.000074, suggesting that it is not a common polymorphism. The variant has not, to our knowledge, been reported in FAP patients via published reports, but is cited as VUS by at least one reputable database/clinical laboratory. Taken together, due to lack of supportive evidence, the variant was classified as VUS, until new information becomes available.

NM_000038.6(APC):c.5759G>A (p.Arg1920Gln)

Gene: APC (APC regulator of Wnt signaling pathway; plus strand). Cytogenetic location: 5q22.2.
Variant type: single nucleotide variant.
Coding change: c.5759G>A on transcript NM_000038.6 (MANE Select); coding-DNA position 5759, G replaced by A.
Protein change: p.Arg1920Gln; replaces arginine 1920 with glutamine.
Molecular consequence: missense variant.
Genome position (GRCh38, 1-based): chr5:112,841,353, G>A. VCF-style: chr5-112841353-G-A. GRCh37 (hg19) VCF-style: chr5-112177050-G-A.
Other names: c.5759G>A, p.Arg1920Gln (NM_001127510.3, NM_001354895.2); c.5705G>A, p.Arg1902Gln (NM_001127511.3); c.5813G>A, p.Arg1938Gln (NM_001354896.2); c.5789G>A, p.Arg1930Gln (NM_001354897.2); c.5684G>A, p.Arg1895Gln (NM_001354898.2); c.5675G>A, p.Arg1892Gln (NM_001354899.2); c.5636G>A, p.Arg1879Gln (NM_001354900.2); c.5582G>A, p.Arg1861Gln (NM_001354901.2); and 5 more; short protein forms R1902Q, R1920Q, R1760Q, R1819Q, R1861Q, R1879Q, R1895Q, R1637Q.
Identifiers: ClinVar variation 185443 (VCV000185443.24), dbSNP rs587780599, ClinGen allele CA010645.
Genomic context (GRCh38, chr5:112,841,353, plus strand): 5'-TAACCTCCAACCAACAATCAGCTAATAAGACACAAGCTATTGCAAAGCAGCCAATAAATC[G>A]AGGTCAGCCTAAACCCATACTTCAGAAACAATCCACTTTTCCCCAGTCATCCAAAGACAT-3'
Protein context (NP_000029.2, residues 1910-1930): TQAIAKQPIN[Arg1920Gln]GQPKPILQKQ